The following is an entry in ClinVar:

ClinVar aggregate classification (germline): Benign/Likely benign. Review status: criteria provided, multiple submitters, no conflicts (2 of 4 stars). 13 submissions from 13 submitters: Benign (8); Likely benign (4). 1 of the submissions does not count toward it. Last evaluated 2026-01-28.

Conditions:
Ehlers-Danlos syndrome (EDS). Identifiers: Orphanet 98249, MedGen C0013720, MONDO:0020066.
Familial thoracic aortic aneurysm and aortic dissection (TAAD). Also called: Thoracic aortic aneurysms and dissections. Identifiers: Orphanet 91387, MedGen C4707243, MONDO:0019625.
Congenital contractural arachnodactyly (CCA). Also called: BEALS SYNDROME; Beals-Hecht syndrome; Arthrogryposis, distal, type 9. Identifiers: Orphanet 115, MedGen C0220668, MONDO:0007363, OMIM 121050.

Allele frequency attached by ClinVar (database versions not stated): ExAC 0.00098; gnomAD 0.00151 and 0.00158; TOPMed 0.00157; ESP Exome Variant Server 0.00161; 1000 Genomes Project 0.00200; 1000 Genomes Project 30x 0.00203.
gnomAD v4.1: 1,017 of 1,613,800 alleles (0.063%); highest among the groups gnomAD compares: Middle Eastern, 0.73%; 6 homozygotes.

Submissions (13):

Labcorp Genetics (formerly Invitae), Labcorp
Classification: Benign for Congenital contractural arachnodactyly. Last evaluated: 2026-01-28. Review status: criteria provided, single submitter. Criteria: Invitae Variant Classification Sherloc (09022015). Collection method: clinical testing. Allele origin: germline.

ARUP Laboratories, Molecular Genetics and Genomics, ARUP Laboratories
Classification: Benign. Last evaluated: 2024-11-05. Review status: criteria provided, single submitter. Criteria: ARUP Molecular Germline Variant Investigation Process 2024. Collection method: clinical testing. Allele origin: germline.

Blueprint Genetics
Classification: Likely benign. Last evaluated: 2024-10-30. Review status: criteria provided, single submitter. Criteria: ACMG Guidelines, 2015. Collection method: clinical testing. Allele origin: germline.

CeGaT Center for Human Genetics Tuebingen
Classification: Likely benign. Last evaluated: 2024-09-01. Review status: criteria provided, single submitter. Criteria: CeGaT Center For Human Genetics Tuebingen Variant Classification Criteria Version 2. Collection method: clinical testing. Allele origin: germline. Affected: yes. Observed: 1 variant allele.
Comment: FBN2: BP4, BP7, BS1

Women's Health and Genetics/Laboratory Corporation of America, LabCorp
Classification: Benign. Last evaluated: 2023-07-21. Review status: criteria provided, single submitter. Criteria: LabCorp Variant Classification Summary - May 2015. Collection method: clinical testing. Allele origin: germline.

Genome Diagnostics Laboratory, The Hospital for Sick Children
Classification: Benign for Ehlers-Danlos syndrome. Last evaluated: 2021-11-30. Review status: criteria provided, single submitter. Criteria: ACMG Guidelines, 2015. Collection method: clinical testing. Allele origin: germline.

Illumina Laboratory Services, Illumina
Classification: Benign for Congenital contractural arachnodactyly. Last evaluated: 2018-01-12. Review status: criteria provided, single submitter. Criteria: ICSL Variant Classification Criteria 13 December 2019. Collection method: clinical testing. Allele origin: germline.
Comment: This variant was observed in the ICSL laboratory as part of a predisposition screen in an ostensibly healthy population. It had not been previously curated by ICSL or reported in the Human Gene Mutation Database (HGMD: prior to June 1st, 2018), and was therefore a candidate for classification through an automated scoring system. Utilizing variant allele frequency, disease prevalence and penetrance estimates, and inheritance mode, an automated score was calculated to assess if this variant is too frequent to cause the disease. Based on the score and internal cut-off values, a variant classified as benign is not then subjected to further curation. The score for this variant resulted in a classification of benign for this disease.

Clinical Genetics DNA and cytogenetics Diagnostics Lab, Erasmus MC, Erasmus Medical Center
Classification: Likely benign for Congenital contractural arachnodactyly. Last evaluated: 2017-06-28. Review status: criteria provided, single submitter. Criteria: ACGS Guidelines, 2013. Collection method: clinical testing. Allele origin: germline. Affected: yes. Study: VKGL Data-share Consensus.

Ambry Genetics
Classification: Benign for Familial thoracic aortic aneurysm and aortic dissection. Last evaluated: 2015-04-24. Review status: criteria provided, single submitter. Criteria: Ambry Variant Classification Scheme 2023. Collection method: clinical testing. Allele origin: germline.

Eurofins Ntd Llc (ga)
Classification: Benign. Last evaluated: 2014-12-19. Review status: criteria provided, single submitter. Criteria: EGL Classification Definitions 2015. Collection method: clinical testing. Allele origin: germline. Observed: 1 variant allele, 1 heterozygote.

GeneDx
Classification: Benign. Last evaluated: 2013-12-21. Review status: criteria provided, single submitter. Criteria: GeneDx Variant Classification (06012015). Collection method: clinical testing. Allele origin: germline. Affected: yes.
Comment: This variant is considered likely benign or benign based on one or more of the following criteria: it is a conservative change, it occurs at a poorly conserved position in the protein, it is predicted to be benign by multiple in silico algorithms, and/or has population frequency not consistent with disease.

Breakthrough Genomics
Classification: Likely benign. Review status: criteria provided, single submitter. Criteria: ACMG Guidelines, 2015. Collection method: not provided. Allele origin: germline. Inheritance: Autosomal dominant inheritance. Affected: yes.

Genome Diagnostics Laboratory, Amsterdam University Medical Center
Classification: Benign for Congenital contractural arachnodactyly. Last evaluated: 2016-09-27. Review status: no assertion criteria provided. Criteria: ACGS Guidelines, 2013. Collection method: clinical testing. Allele origin: germline. Affected: yes. Study: VKGL Data-share Consensus. Not counted in ClinVar's aggregate classification.

NM_001999.4(FBN2):c.5448A>G (p.Pro1816=)

Gene: FBN2 (fibrillin 2; minus strand). Cytogenetic location: 5q23.3.
Variant type: single nucleotide variant.
Coding change: c.5448A>G on transcript NM_001999.4 (MANE Select); coding-DNA position 5448, A replaced by G.
Protein change: p.Pro1816=; no amino-acid change (proline 1816 retained).
Molecular consequence: synonymous variant.
Genome position (GRCh38, 1-based): chr5:128,305,923, T>C on the plus strand (A>G on the coding strand, the complement: FBN2 is on the minus strand). VCF-style: chr5-128305923-T-C. GRCh37 (hg19) VCF-style: chr5-127641615-T-C.
Other names: p.P1816P:CCA>CCG.
Identifiers: ClinVar variation 137340 (VCV000137340.48), dbSNP rs138022198, ClinGen allele CA302998.